The following is an entry in ClinVar:

ClinVar aggregate classification (germline): Uncertain significance (1 of 4 stars; one submission).

Conditions:
Neurodevelopmental disorder with or without hyperkinetic movements and seizures, autosomal dominant. Also called: Intellectual disability, autosomal dominant 8. Identifiers: MedGen C3280282, MONDO:0013655, OMIM 614254.

Submission:

Labcorp Genetics (formerly Invitae), Labcorp
Classification: Uncertain significance for Neurodevelopmental disorder with or without hyperkinetic movements and seizures, autosomal dominant. Last evaluated: 2025-10-12. Review status: criteria provided, single submitter. Criteria: Invitae Variant Classification Sherloc (09022015). Collection method: clinical testing. Allele origin: germline.
Comment: This sequence change replaces isoleucine, which is neutral and non-polar, with threonine, which is neutral and polar, at codon 643 of the GRIN1 protein (p.Ile643Thr). This variant is not present in population databases (gnomAD no frequency). This variant has not been reported in the literature in individuals affected with GRIN1-related conditions. ClinVar contains an entry for this variant (Variation ID: 1472380). Invitae Evidence Modeling of protein sequence and biophysical properties (such as structural, functional, and spatial information, amino acid conservation, physicochemical variation, residue mobility, and thermodynamic stability) indicates that this missense variant is expected to disrupt GRIN1 protein function with a positive predictive value of 95%. In summary, the available evidence is currently insufficient to determine the role of this variant in disease. Therefore, it has been classified as a Variant of Uncertain Significance.

NM_007327.4(GRIN1):c.1928T>C (p.Ile643Thr)

Gene: GRIN1 (glutamate ionotropic receptor NMDA type subunit 1; plus strand). Cytogenetic location: 9q34.3.
Variant type: single nucleotide variant.
Coding change: c.1928T>C on transcript NM_007327.4 (MANE Select); coding-DNA position 1928, T replaced by C.
Protein change: p.Ile643Thr; replaces isoleucine 643 with threonine.
Molecular consequence: missense variant.
Genome position (GRCh38, 1-based): chr9:137,162,654, T>C. VCF-style: chr9-137162654-T-C. GRCh37 (hg19) VCF-style: chr9-140057106-T-C.
Other names: c.1928T>C, p.Ile643Thr (NM_000832.7, NM_021569.4); c.1991T>C, p.Ile664Thr (NM_001185090.2, NM_001185091.2); short protein forms I643T, I664T.
Identifiers: ClinVar variation 1472380 (VCV001472380.8), dbSNP rs2131299190, ClinGen allele CA375720704.